The following is an entry in ClinVar:

ClinVar aggregate classification (germline): Benign (0 of 4 stars; one submission).

Conditions:
GLE1-related disorder. Also called: GLE1-related disorders; GLE1-related condition.

Submission:

PreventionGenetics, part of Exact Sciences
Classification: Benign for GLE1-related condition. Last evaluated: 2019-05-24. Review status: no assertion criteria provided. Collection method: clinical testing. Allele origin: germline.
Comment: This variant is classified as benign based on ACMG/AMP sequence variant interpretation guidelines (Richards et al. 2015 PMID: 25741868, with internal and published modifications).

NM_001003722.2(GLE1):c.433-11_433-10dup

Gene: GLE1 (GLE1 RNA export mediator; plus strand). Cytogenetic location: 9q34.11.
Variant type: Duplication.
Coding change: c.433-11_433-10dup on transcript NM_001003722.2 (MANE Select); 11 bases into the intron before coding-DNA position 433 through 10 bases into the intron before coding-DNA position 433, 2 bases duplicated (AA; older notation c.433-11_433-10dupAA).
Molecular consequence: intron variant.
Genome position (GRCh38, 1-based): chr9:128,522,657-128,522,658, AA duplicated; duplicating any 2 consecutive bases within chr9:128,522,636-128,522,658 gives the same sequence; the c. name uses the placement nearest the transcript's 3' end. VCF-style (leftmost placement, unchanged base first): chr9-128522635-T-TAA. GRCh37 (hg19) VCF-style: chr9-131284914-T-TAA.
Other names: c.433-11_433-10dup (NM_001499.2, NM_001411013.1).
Identifiers: ClinVar variation 3039674 (VCV003039674.2), dbSNP rs60154464, ClinGen allele CA5263589.
Genomic context (GRCh38, chr9:128,522,635, plus strand): 5'-CGGGAGTTGGAGGTTGCAGTGAGCTGCACTCCAGCCTGGCGACAGAGAGAGATTCCATCT[T>TAA]AAAAAAAAAAAAAAAAAAAAAAACCTTTTCAGGAGGGCCTGAGGCTATGGCAGGAGGAGC-3'